The following is an entry in ClinVar:

NM_004304.5(ALK):c.4459T>C (p.Ser1487Pro)

Gene: ALK (ALK receptor tyrosine kinase; minus strand). Cytogenetic location: 2p23.2.
Variant type: single nucleotide variant.
Coding change: c.4459T>C on transcript NM_004304.5 (MANE Select); coding-DNA position 4459, T replaced by C.
Protein change: p.Ser1487Pro; replaces serine 1487 with proline.
Molecular consequence: missense variant.
Genome position (GRCh38, 1-based): chr2:29,193,628, A>G on the plus strand (T>C on the coding strand, the complement: ALK is on the minus strand). VCF-style: chr2-29193628-A-G. GRCh37 (hg19) VCF-style: chr2-29416494-A-G.
Other names: c.1255T>C, p.Ser419Pro (NM_001353765.2); short protein forms S1487P, S419P.
Identifiers: ClinVar variation 649236 (VCV000649236.15), dbSNP rs762072069, ClinGen allele CA1593568.

ClinVar aggregate classification (germline): Conflicting classifications of pathogenicity. Review status: criteria provided, conflicting classifications (1 of 4 stars). 3 submissions from 3 submitters: Uncertain significance (2); Likely benign (1). Last evaluated 2026-01-26.

Conditions:
Hereditary cancer-predisposing syndrome. Also called: Hereditary Cancer Syndrome; Tumor predisposition; Neoplastic Syndromes, Hereditary; Hereditary neoplastic syndrome. Identifiers: Orphanet 140162, MedGen C0027672, MeSH D009386, MONDO:0015356.
Neuroblastoma, susceptibility to, 3. Also called: ALK-Related Neuroblastic Tumor Susceptibility. Identifiers: Orphanet 635, MedGen C2751681, MONDO:0013083, OMIM 613014.

Allele frequency attached by ClinVar (database versions not stated): gnomAD exomes below 0.00001; ExAC 0.00001; TOPMed 0.00002; gnomAD 0.00003.
gnomAD v4.1: 4 of 1,614,092 alleles (0.00025%); highest among the groups gnomAD compares: African/African-American, 0.0053%; no homozygotes.

Submissions (3):

Labcorp Genetics (formerly Invitae), Labcorp
Classification: Uncertain significance for Neuroblastoma, susceptibility to, 3. Last evaluated: 2026-01-26. Review status: criteria provided, single submitter. Criteria: Invitae Variant Classification Sherloc (09022015). Collection method: clinical testing. Allele origin: germline.
Comment: This sequence change replaces serine, which is neutral and polar, with proline, which is neutral and non-polar, at codon 1487 of the ALK protein (p.Ser1487Pro). This variant is present in population databases (rs762072069, gnomAD 0.007%). This variant has not been reported in the literature in individuals affected with ALK-related conditions. ClinVar contains an entry for this variant (Variation ID: 649236). An algorithm developed to predict the effect of missense changes on protein structure and function outputs the following: PolyPhen-2: "Benign". The proline amino acid residue is found in multiple mammalian species, which suggests that this missense change does not adversely affect protein function. In summary, the available evidence is currently insufficient to determine the role of this variant in disease. Therefore, it has been classified as a Variant of Uncertain Significance.

Ambry Genetics
Classification: Likely benign for Hereditary cancer-predisposing syndrome. Last evaluated: 2025-04-25. Review status: criteria provided, single submitter. Criteria: Ambry Variant Classification Scheme 2023. Collection method: clinical testing. Allele origin: germline.

GeneDx
Classification: Uncertain significance. Last evaluated: 2023-08-15. Review status: criteria provided, single submitter. Criteria: GeneDx Variant Classification Process June 2021. Collection method: clinical testing. Allele origin: germline. Affected: yes.
Comment: Not observed at significant frequency in large population cohorts (gnomAD); In silico analysis supports that this missense variant has a deleterious effect on protein structure/function; Has not been previously published as pathogenic or benign to our knowledge